The following is an entry in ClinVar:

NM_002900.3(RBP3):c.982G>A (p.Gly328Arg)

Gene: RBP3 (retinol binding protein 3; plus strand). Cytogenetic location: 10q11.22.
Variant type: single nucleotide variant.
Coding change: c.982G>A on transcript NM_002900.3 (MANE Select); coding-DNA position 982, G replaced by A.
Protein change: p.Gly328Arg; replaces glycine 328 with arginine.
Molecular consequence: missense variant.
Genome position (GRCh38, 1-based): chr10:47,349,466, G>A. VCF-style: chr10-47349466-G-A. GRCh37 (hg19) VCF-style: chr10-48389896-C-T.
Other names: c.982G>A (NM_002900.2); short protein forms G328R.
Identifiers: ClinVar variation 1051280 (VCV001051280.11), dbSNP rs782734444, ClinGen allele CA5487641.

ClinVar aggregate classification (germline): Uncertain significance. Review status: criteria provided, multiple submitters, no conflicts (2 of 4 stars). 3 submissions from 3 submitters: Uncertain significance (3). Last evaluated 2025-05-11.

Conditions:
Inborn genetic diseases. Identifiers: MedGen C0950123, MeSH D030342.

Allele frequency attached by ClinVar (database versions not stated): gnomAD exomes 0.00001 and 0.00002; ExAC 0.00003; gnomAD 0.00008 and 0.00009; TOPMed 0.00008.
gnomAD v4.1: 21 of 1,612,676 alleles (0.0013%); highest among the groups gnomAD compares: African/African-American, 0.027%; no homozygotes.

Submissions (3):

Ambry Genetics
Classification: Uncertain significance for Inborn genetic diseases. Last evaluated: 2025-05-11. Review status: criteria provided, single submitter. Criteria: Ambry Variant Classification Scheme 2023. Collection method: clinical testing. Allele origin: germline.

Labcorp Genetics (formerly Invitae), Labcorp
Classification: Uncertain significance. Last evaluated: 2024-05-06. Review status: criteria provided, single submitter. Criteria: Invitae Variant Classification Sherloc (09022015). Collection method: clinical testing. Allele origin: germline.
Comment: This sequence change replaces glycine, which is neutral and non-polar, with arginine, which is basic and polar, at codon 328 of the RBP3 protein (p.Gly328Arg). The frequency data for this variant in the population databases is considered unreliable, as metrics indicate poor data quality at this position in the gnomAD database. This variant has not been reported in the literature in individuals affected with RBP3-related conditions. ClinVar contains an entry for this variant (Variation ID: 1051280). An algorithm developed to predict the effect of missense changes on protein structure and function (PolyPhen-2) suggests that this variant is likely to be disruptive. In summary, the available evidence is currently insufficient to determine the role of this variant in disease. Therefore, it has been classified as a Variant of Uncertain Significance.

Blueprint Genetics
Classification: Uncertain significance. Last evaluated: 2024-02-20. Review status: criteria provided, single submitter. Criteria: ACMG Guidelines, 2015. Collection method: clinical testing. Allele origin: germline.